The following is an entry in ClinVar:

ClinVar aggregate classification (germline): Uncertain significance. Review status: criteria provided, single submitter (1 of 4 stars). 2 submissions from 2 submitters: Uncertain significance (1). 1 of the submissions does not count toward it. Last evaluated 2024-03-16.

Conditions:
FOXN1-related disorder. Also called: FOXN1-related condition.
T-cell immunodeficiency, congenital alopecia, and nail dystrophy. Also called: Congenital alopecia and nail dystrophy associated with severe functional T-cell immunodeficiency; Pignata Guarino syndrome. Identifiers: Orphanet 169095, MedGen C1866426, MONDO:0011132, OMIM 601705.

Allele frequency attached by ClinVar (database versions not stated): gnomAD exomes below 0.00001.

Submissions (2):

Labcorp Genetics (formerly Invitae), Labcorp
Classification: Uncertain significance for T-cell immunodeficiency, congenital alopecia, and nail dystrophy. Last evaluated: 2024-03-16. Review status: criteria provided, single submitter. Criteria: Invitae Variant Classification Sherloc (09022015). Collection method: clinical testing. Allele origin: germline.
Comment: This sequence change replaces proline, which is neutral and non-polar, with leucine, which is neutral and non-polar, at codon 193 of the FOXN1 protein (p.Pro193Leu). This variant is not present in population databases (gnomAD no frequency). This variant has not been reported in the literature in individuals affected with FOXN1-related conditions. ClinVar contains an entry for this variant (Variation ID: 2144190). Advanced modeling of protein sequence and biophysical properties (such as structural, functional, and spatial information, amino acid conservation, physicochemical variation, residue mobility, and thermodynamic stability) performed at Invitae indicates that this missense variant is not expected to disrupt FOXN1 protein function with a negative predictive value of 80%. In summary, the available evidence is currently insufficient to determine the role of this variant in disease. Therefore, it has been classified as a Variant of Uncertain Significance.

PreventionGenetics, part of Exact Sciences
Classification: Uncertain significance for FOXN1-related condition. Last evaluated: 2024-09-24. Review status: no assertion criteria provided. Collection method: clinical testing. Allele origin: germline. Not counted in ClinVar's aggregate classification.
Comment: The FOXN1 c.578C>T variant is predicted to result in the amino acid substitution p.Pro193Leu. To our knowledge, this variant has not been reported in the literature or in a large population database, indicating this variant is rare. At this time, the clinical significance of this variant is uncertain due to the absence of conclusive functional and genetic evidence.

NM_001369369.1(FOXN1):c.578C>T (p.Pro193Leu)

Gene: FOXN1 (forkhead box N1; plus strand). Cytogenetic location: 17q11.2.
Variant type: single nucleotide variant.
Coding change: c.578C>T on transcript NM_001369369.1 (MANE Select); coding-DNA position 578, C replaced by T.
Protein change: p.Pro193Leu; replaces proline 193 with leucine.
Molecular consequence: missense variant.
Genome position (GRCh38, 1-based): chr17:28,524,957, C>T. VCF-style: chr17-28524957-C-T. GRCh37 (hg19) VCF-style: chr17-26851975-C-T.
Other names: c.578C>T, p.Pro193Leu (NM_003593.3); short protein forms P193L.
Identifiers: ClinVar variation 2144190 (VCV002144190.4), dbSNP rs2508360153, ClinGen allele CA398322089.